The following is an entry in ClinVar:

ClinVar aggregate classification (germline): Uncertain significance. Review status: criteria provided, multiple submitters, no conflicts (2 of 4 stars). 2 submissions from 2 submitters: Uncertain significance (2). Last evaluated 2021-03-05.

Conditions:
Hereditary cancer-predisposing syndrome. Also called: Hereditary Cancer Syndrome; Neoplastic Syndromes, Hereditary; Tumor predisposition; Hereditary neoplastic syndrome. Identifiers: Orphanet 140162, MedGen C0027672, MeSH D009386, MONDO:0015356.

gnomAD v4.1: 1 of 1,614,152 alleles (0.000062%); highest among the groups gnomAD compares: Middle Eastern, 0.016%; no homozygotes.

Submissions (2):

Ambry Genetics
Classification: Uncertain significance for Hereditary cancer-predisposing syndrome. Last evaluated: 2021-03-05. Review status: criteria provided, single submitter. Criteria: Ambry Variant Classification Scheme 2023. Collection method: clinical testing. Allele origin: germline.
Comment: The p.E1446G variant (also known as c.4337A>G), located in coding exon 11 of the BRCA1 gene, results from an A to G substitution at nucleotide position 4337. The glutamic acid at codon 1446 is replaced by glycine, an amino acid with similar properties. This amino acid position is not well conserved in available vertebrate species. In addition, this alteration is predicted to be tolerated by in silico analysis. Since supporting evidence is limited at this time, the clinical significance of this alteration remains unclear.

Color Diagnostics, LLC DBA Color Health
Classification: Uncertain significance for Hereditary cancer-predisposing syndrome. Last evaluated: 2019-03-31. Review status: criteria provided, single submitter. Criteria: ACMG Guidelines, 2015. Collection method: clinical testing. Allele origin: germline.

NM_007294.4(BRCA1):c.4337A>G (p.Glu1446Gly)

Gene: BRCA1 (BRCA1 DNA repair associated; minus strand). Cytogenetic location: 17q21.31.
Variant type: single nucleotide variant.
Coding change: c.4337A>G on transcript NM_007294.4 (MANE Select); coding-DNA position 4337, A replaced by G.
Protein change: p.Glu1446Gly; replaces glutamic acid 1446 with glycine.
Molecular consequence: missense variant. On other transcripts: non-coding transcript variant (1).
Genome position (GRCh38, 1-based): chr17:43,082,424, T>C on the plus strand (A>G on the coding strand, the complement: BRCA1 is on the minus strand). VCF-style: chr17-43082424-T-C. GRCh37 (hg19) VCF-style: chr17-41234441-T-C.
Other names: c.4337A>G, p.Glu1446Gly (NM_001407859.1, NM_007300.4, NM_001407581.1 and 23 more transcripts); c.4334A>G, p.Glu1445Gly (NM_001407860.1, NM_001407861.1, NM_001407587.1 and 21 more transcripts); c.4136A>G, p.Glu1379Gly (NM_001407862.1); c.4214A>G, p.Glu1405Gly (NM_001407863.1, NM_001407919.1, NM_001407937.1 and 13 more transcripts); c.4133A>G, p.Glu1378Gly (NM_001407874.1, NM_001407875.1); c.4127A>G, p.Glu1376Gly (NM_001407879.1, NM_001407881.1, NM_001407882.1 and 9 more transcripts); c.4124A>G, p.Glu1375Gly (NM_001407894.1, NM_001407895.1, NM_001407896.1 and 12 more transcripts); c.4121A>G, p.Glu1374Gly (NM_001407915.1); and 51 more; short protein forms E1446G, E343G, E1399G, E1277G, E1378G, E1403G, E1418G, E1445G.
Identifiers: ClinVar variation 491074 (VCV000491074.7), dbSNP rs1273755215, ClinGen allele CA10593049.